The following is an entry in ClinVar:

ClinVar aggregate classification (germline): Uncertain significance (1 of 4 stars; one submission).

Conditions:
Neuropathy, hereditary sensory and autonomic, type 2A (HSAN2A). Also called: ACROOSTEOLYSIS, GIACCAI TYPE; ACROOSTEOLYSIS, NEUROGENIC; WNK1-Related HSAN2 (HSAN2A); NEUROPATHY, HEREDITARY SENSORY RADICULAR, AUTOSOMAL RECESSIVE; MORVAN DISEASE; NEUROPATHY, CONGENITAL SENSORY. Identifiers: Orphanet 970, MedGen C2752089, MONDO:0024309, OMIM 201300.
Generalized epilepsy with febrile seizures plus, type 7 (GEFSP7). Also called: GEFS+, TYPE 7. Identifiers: Orphanet 36387, MedGen C2751778, MONDO:0013470, OMIM 613863.

Submission:

Labcorp Genetics (formerly Invitae), Labcorp
Classification: Uncertain significance for Neuropathy, hereditary sensory and autonomic, type 2A; Generalized epilepsy with febrile seizures plus, type 7. Last evaluated: 2025-02-23. Review status: criteria provided, single submitter. Criteria: Invitae Variant Classification Sherloc (09022015). Collection method: clinical testing. Allele origin: germline.
Comment: This sequence change replaces aspartic acid, which is acidic and polar, with histidine, which is basic and polar, at codon 1571 of the SCN9A protein (p.Asp1571His). This variant is not present in population databases (gnomAD no frequency). This missense change has been observed in individual(s) with clinical features of autosomal dominant small fiber neuropathy (internal data). Invitae Evidence Modeling of protein sequence and biophysical properties (such as structural, functional, and spatial information, amino acid conservation, physicochemical variation, residue mobility, and thermodynamic stability) has been performed for this missense variant. However, the output from this modeling did not meet the statistical confidence thresholds required to predict the impact of this variant on SCN9A protein function. In summary, the available evidence is currently insufficient to determine the role of this variant in disease. Therefore, it has been classified as a Variant of Uncertain Significance.

NM_001365536.1(SCN9A):c.4744G>C (p.Asp1582His)

Genes: SCN9A (sodium voltage-gated channel alpha subunit 9; minus strand), SCN1A-AS1 (SCN1A and SCN9A antisense RNA 1; plus strand). Cytogenetic location: 2q24.3.
Variant type: single nucleotide variant.
Coding change: c.4744G>C on transcript NM_001365536.1 (MANE Select); coding-DNA position 4744, G replaced by C.
Protein change: p.Asp1582His; replaces aspartic acid 1582 with histidine.
Molecular consequence: missense variant.
Genome position (GRCh38, 1-based): chr2:166,203,985, C>G on the plus strand (G>C on the coding strand, the complement: SCN9A is on the minus strand). VCF-style: chr2-166203985-C-G. GRCh37 (hg19) VCF-style: chr2-167060495-C-G.
Other names: c.4711G>C, p.Asp1571His (NM_002977.4); short protein forms D1571H, D1582H.
Identifiers: ClinVar variation 4783379 (VCV004783379.1).